The following is an entry in ClinVar:

ClinVar aggregate classification (germline): Uncertain significance (1 of 4 stars; one submission).

Conditions:
Candidiasis, familial, 9 (CANDF9). Identifiers: Orphanet 1334, MedGen C4225324, MONDO:0014642, OMIM 616445.

Submission:

Labcorp Genetics (formerly Invitae), Labcorp
Classification: Uncertain significance for Candidiasis, familial, 9. Last evaluated: 2023-07-20. Review status: criteria provided, single submitter. Criteria: Invitae Variant Classification Sherloc (09022015). Collection method: clinical testing. Allele origin: germline.
Comment: This sequence change replaces alanine, which is neutral and non-polar, with glycine, which is neutral and non-polar, at codon 632 of the IL17RC protein (p.Ala632Gly). This variant is not present in population databases (gnomAD no frequency). This variant has not been reported in the literature in individuals affected with IL17RC-related conditions. An algorithm developed to predict the effect of missense changes on protein structure and function (PolyPhen-2) suggests that this variant is likely to be disruptive. In summary, the available evidence is currently insufficient to determine the role of this variant in disease. Therefore, it has been classified as a Variant of Uncertain Significance.

NM_153460.4(IL17RC):c.1682C>G (p.Ala561Gly)

Gene: IL17RC (interleukin 17 receptor C; plus strand). Cytogenetic location: 3p25.3.
Variant type: single nucleotide variant.
Coding change: c.1682C>G on transcript NM_153460.4 (MANE Select); coding-DNA position 1682, C replaced by G.
Protein change: p.Ala561Gly; replaces alanine 561 with glycine.
Molecular consequence: missense variant. On other transcripts: non-coding transcript variant (1).
Genome position (GRCh38, 1-based): chr3:9,933,112, C>G. VCF-style: chr3-9933112-C-G. GRCh37 (hg19) VCF-style: chr3-9974796-C-G.
Other names: c.1598C>G, p.Ala533Gly (NM_001367280.1); c.1547C>G, p.Ala516Gly (NM_001410711.1); c.1637C>G, p.Ala546Gly (NM_032732.6); c.1895C>G, p.Ala632Gly (NM_153461.4); c.1643C>G, p.Ala548Gly (NM_001203263.2); c.1592C>G, p.Ala531Gly (NM_001203264.2); c.1586C>G, p.Ala529Gly (NM_001203265.2); c.1604C>G, p.Ala535Gly (NM_001367278.1); and 1 more; short protein forms A508G, A516G, A529G, A548G, A561G, A533G, A546G, A632G.
Identifiers: ClinVar variation 2745575 (VCV002745575.3), dbSNP rs1359530980, ClinGen allele CA351705389.